The following is an entry in ClinVar:

ClinVar aggregate classification (germline): Likely benign (1 of 4 stars; one submission).

Conditions:
CHEK1-related disorder. Also called: CHEK1-related condition.

gnomAD v4.1: 274 of 1,448,056 alleles (0.019%); highest among the groups gnomAD compares: South Asian, 0.31%; 3 homozygotes.

Submission:

PreventionGenetics, part of Exact Sciences
Classification: Likely benign for CHEK1-related condition. Last evaluated: 2026-09-08. Review status: criteria provided, single submitter. Criteria: ACMG Guidelines, 2015. Collection method: clinical testing. Allele origin: germline.
Comment: This variant is classified as likely benign based on ACMG/AMP sequence variant interpretation guidelines (Richards et al. 2015 PMID: 25741868, with internal and published modifications).

NM_001114122.3(CHEK1):c.1335+6T>C

Gene: CHEK1 (checkpoint kinase 1; plus strand). Cytogenetic location: 11q24.2.
Variant type: single nucleotide variant.
Coding change: c.1335+6T>C on transcript NM_001114122.3 (MANE Select); 6 bases into the intron after coding-DNA position 1335, T replaced by C.
Molecular consequence: intron variant.
Genome position (GRCh38, 1-based): chr11:125,653,853, T>C. VCF-style: chr11-125653853-T-C. GRCh37 (hg19) VCF-style: chr11-125523748-T-C.
Other names: c.1335+6T>C (NM_001114121.2, NM_001274.5); c.1234-1372T>C (NM_001244846.1); c.1032+6T>C (NM_001330427.2); c.1053+6T>C (NM_001330428.1).
Identifiers: ClinVar variation 4986954 (VCV004986954.1).